The following is an entry in ClinVar:

NM_017514.5(PLXNA3):c.854G>A (p.Arg285His)

Gene: PLXNA3 (plexin A3; plus strand). Cytogenetic location: Xq28.
Variant type: single nucleotide variant.
Coding change: c.854G>A on transcript NM_017514.5 (MANE Select); coding-DNA position 854, G replaced by A.
Protein change: p.Arg285His; replaces arginine 285 with histidine.
Molecular consequence: missense variant.
Genome position (GRCh38, 1-based): chrX:154,461,358, G>A. VCF-style: chrX-154461358-G-A. GRCh37 (hg19) VCF-style: chrX-153689698-G-A.
Other names: short protein forms R285H.
Identifiers: ClinVar variation 3350723 (VCV003350723.1).

ClinVar aggregate classification (germline): Uncertain significance (0 of 4 stars; one submission).

Conditions:
PLXNA3-related disorder. Also called: PLXNA3-related condition.

Submission:

PreventionGenetics, part of Exact Sciences
Classification: Uncertain significance for PLXNA3-related condition. Last evaluated: 2024-09-13. Review status: no assertion criteria provided. Collection method: clinical testing. Allele origin: germline.
Comment: The PLXNA3 c.854G>A variant is predicted to result in the amino acid substitution p.Arg285His. To our knowledge, this variant has not been reported in the literature. This variant is reported in 0.0087% of alleles in individuals of European (Non-Finnish) descent in gnomAD. At this time, the clinical significance of this variant is uncertain due to the absence of conclusive functional and genetic evidence.